The following is an entry in ClinVar:

ClinVar aggregate classification (germline): Uncertain significance (1 of 4 stars; one submission).

Conditions:
Developmental and epileptic encephalopathy, 54. Also called: Epileptic encephalopathy, early infantile, 54; HNRNPU-Related Neurodevelopmental Disorder. Identifiers: MedGen C4479319, MONDO:0033363, OMIM 617391.

Allele frequency attached by ClinVar (database versions not stated): TOPMed below 0.00001; gnomAD 0.00001; gnomAD exomes 0.00001.
gnomAD v4.1: 4 of 1,613,720 alleles (0.00025%); highest among the groups gnomAD compares: Admixed American, 0.0067%; no homozygotes.

Submission:

Labcorp Genetics (formerly Invitae), Labcorp
Classification: Uncertain significance for Developmental and epileptic encephalopathy, 54. Last evaluated: 2025-09-07. Review status: criteria provided, single submitter. Criteria: Invitae Variant Classification Sherloc (09022015). Collection method: clinical testing. Allele origin: germline.
Comment: This sequence change replaces methionine, which is neutral and non-polar, with valine, which is neutral and non-polar, at codon 736 of the HNRNPU protein (p.Met736Val). This variant is present in population databases (no rsID available, gnomAD 0.009%). This variant has not been reported in the literature in individuals affected with HNRNPU-related conditions. ClinVar contains an entry for this variant (Variation ID: 2131702). Invitae Evidence Modeling of protein sequence and biophysical properties (such as structural, functional, and spatial information, amino acid conservation, physicochemical variation, residue mobility, and thermodynamic stability) indicates that this missense variant is not expected to disrupt HNRNPU protein function with a negative predictive value of 95%. In summary, the available evidence is currently insufficient to determine the role of this variant in disease. Therefore, it has been classified as a Variant of Uncertain Significance.

NM_031844.3(HNRNPU):c.2206A>G (p.Met736Val)

Gene: HNRNPU (heterogeneous nuclear ribonucleoprotein U; minus strand). Cytogenetic location: 1q44.
Variant type: single nucleotide variant.
Coding change: c.2206A>G on transcript NM_031844.3 (MANE Select); coding-DNA position 2206, A replaced by G.
Protein change: p.Met736Val; replaces methionine 736 with valine.
Molecular consequence: missense variant.
Genome position (GRCh38, 1-based): chr1:244,855,570, T>C on the plus strand (A>G on the coding strand, the complement: HNRNPU is on the minus strand). VCF-style: chr1-244855570-T-C. GRCh37 (hg19) VCF-style: chr1-245018872-T-C.
Other names: c.2149A>G, p.Met717Val (NM_004501.3); short protein forms M717V, M736V.
Identifiers: ClinVar variation 2131702 (VCV002131702.4), dbSNP rs1191866183, ClinGen allele CA345487111.